The following is an entry in ClinVar:

NM_000238.4(KCNH2):c.230G>A (p.Arg77His)

Gene: KCNH2 (potassium voltage-gated channel subfamily H member 2; minus strand). Cytogenetic location: 7q36.1.
Variant type: single nucleotide variant.
Coding change: c.230G>A on transcript NM_000238.4 (MANE Select); coding-DNA position 230, G replaced by A.
Protein change: p.Arg77His; replaces arginine 77 with histidine.
Molecular consequence: missense variant. On other transcripts: non-coding transcript variant (1).
Genome position (GRCh38, 1-based): chr7:150,974,788, C>T on the plus strand (G>A on the coding strand, the complement: KCNH2 is on the minus strand). VCF-style: chr7-150974788-C-T. GRCh37 (hg19) VCF-style: chr7-150671876-C-T.
Other names: c.53G>A, p.Arg18His (NM_001406755.1); c.230G>A, p.Arg77His (NM_172056.3); short protein forms R18H, R77H.
Identifiers: ClinVar variation 3624394 (VCV003624394.2).

ClinVar aggregate classification (germline): Uncertain significance (1 of 4 stars; one submission).

Conditions:
Long QT syndrome (LQTS). Identifiers: MedGen C0023976, MeSH D008133, MONDO:0002442. Disease mechanism: loss of function. Inheritance: Various modes of inheritance.

Submission:

Labcorp Genetics (formerly Invitae), Labcorp
Classification: Uncertain significance for Long QT syndrome. Last evaluated: 2025-01-08. Review status: criteria provided, single submitter. Criteria: Invitae Variant Classification Sherloc (09022015). Collection method: clinical testing. Allele origin: germline.
Comment: This sequence change replaces arginine, which is basic and polar, with histidine, which is basic and polar, at codon 77 of the KCNH2 protein (p.Arg77His). This variant is not present in population databases (gnomAD no frequency). This variant has not been reported in the literature in individuals affected with KCNH2-related conditions. An algorithm developed to predict the effect of missense changes on protein structure and function (PolyPhen-2) suggests that this variant is likely to be tolerated. In summary, the available evidence is currently insufficient to determine the role of this variant in disease. Therefore, it has been classified as a Variant of Uncertain Significance.